The following is an entry in ClinVar:

NM_006755.2(TALDO1):c.646_647del (p.Ser216fs)

Genes: TALDO1 (transaldolase 1; plus strand), LOC126861110 (CDK7 strongly-dependent group 2 enhancer GRCh37_chr11:762588-763787; plus strand). Cytogenetic location: 11p15.5.
Variant type: Microsatellite.
Coding change: c.646_647del on transcript NM_006755.2 (MANE Select); coding-DNA positions 646 to 647, 2 bases deleted (AG; older notation c.646_647delAG).
Protein change: p.Ser216fs; shifts the reading frame from serine 216.
Molecular consequence: frameshift variant.
Genome position (GRCh38, 1-based): chr11:763,755-763,756, AG deleted; deleting any 2 consecutive bases within chr11:763,753-763,756 gives the same sequence; the c. name uses the placement nearest the transcript's 3' end. VCF-style (leftmost placement, unchanged base first): chr11-763752-AAG-A. GRCh37 (hg19) VCF-style: chr11-763752-AAG-A.
Other names: short protein forms S216fs.
Identifiers: ClinVar variation 3040700 (VCV003040700.3), dbSNP rs1182889391, ClinGen allele CA597021899.

ClinVar aggregate classification (germline): Pathogenic. Review status: criteria provided, single submitter (1 of 4 stars). 2 submissions from 2 submitters: Pathogenic (1). 1 of the submissions does not count toward it. Last evaluated 2025-01-25.

Conditions:
TALDO1-related disorder. Also called: TALDO1-related condition.
Deficiency of transaldolase. Also called: EYAID SYNDROME. Identifiers: Orphanet 101028, MedGen C1291329, MONDO:0011624, OMIM 606003.

Submissions (2):

3billion
Classification: Pathogenic for Deficiency of transaldolase. Last evaluated: 2025-01-25. Review status: criteria provided, single submitter. Criteria: ACMG Guidelines, 2015. Collection method: clinical testing. Allele origin: germline. Affected: yes.
Comment: The variant is observed at an extremely low frequency in the gnomAD v4.1.0 dataset (total allele frequency: <0.001%). Predicted Consequence/Location: Frameshift: predicted to result in a loss or disruption of normal protein function through nonsense-mediated decay (NMD) or protein truncation. Multiple pathogenic variants are reported downstream of the variant. The variant has been reported to be associated with TALDO1-related disorder (ClinVar ID: VCV003040700). Therefore, this variant is classified as Pathogenic according to the recommendation of ACMG/AMP guideline.

PreventionGenetics, part of Exact Sciences
Classification: Likely pathogenic for TALDO1-related condition. Last evaluated: 2024-01-05. Review status: no assertion criteria provided. Collection method: clinical testing. Allele origin: germline. Not counted in ClinVar's aggregate classification.
Comment: The TALDO1 c.646_647delAG variant is predicted to result in a frameshift and premature protein termination (p.Ser216Cysfs*3). To our knowledge, this variant has not been reported in the literature. This variant is reported in 0.0029% of alleles in individuals of Latino descent in gnomAD. Frameshift variants in TALDO1 are expected to be pathogenic. This variant is interpreted as likely pathogenic.